The following is an entry in ClinVar:

ClinVar aggregate classification (germline): Benign/Likely benign. Review status: criteria provided, multiple submitters, no conflicts (2 of 4 stars). 12 submissions from 12 submitters: Benign (1); Likely benign (10). 1 of the submissions does not count toward it. Last evaluated 2026-01-05.

Conditions:
ATM-related disorder. Also called: ATM-related disorders; ATM-related condition.
Familial colorectal cancer type X. Identifiers: Orphanet 440437, MedGen C3896578, MONDO:0018604.
Hereditary cancer-predisposing syndrome. Also called: Tumor predisposition; Neoplastic Syndromes, Hereditary; Hereditary Cancer Syndrome; Hereditary neoplastic syndrome. Identifiers: Orphanet 140162, MedGen C0027672, MeSH D009386, MONDO:0015356.
Familial cancer of breast. Also called: hereditary breast carcinoma; BREAST CANCER, FAMILIAL; Hereditary breast cancer. Identifiers: Orphanet 227535, MedGen C0346153, MONDO:0016419, OMIM 114480. Disease mechanism: loss of function.
Ataxia-telangiectasia syndrome (AT). Also called: LOUIS-BAR SYNDROME; Ataxia-telangiectasia, complementation group D; Ataxia telangiectasia (A-T); AT, COMPLEMENTATION GROUP C; ATAXIA-TELANGIECTASIA, COMPLEMENTATION GROUP A; ATAXIA-TELANGIECTASIA, FRESNO VARIANT. Identifiers: Orphanet 100, MedGen C0004135, MONDO:0008840, OMIM 208900.

Allele frequency attached by ClinVar (database versions not stated): ExAC 0.00001; TOPMed 0.00002; ESP Exome Variant Server 0.00008.
gnomAD v4.1: 37 of 1,613,916 alleles (0.0023%); highest among the groups gnomAD compares: Non-Finnish European, 0.0031%; no homozygotes.

Submissions (12):

Labcorp Genetics (formerly Invitae), Labcorp
Classification: Likely benign for Ataxia-telangiectasia syndrome. Last evaluated: 2026-01-05. Review status: criteria provided, single submitter. Criteria: Invitae Variant Classification Sherloc (09022015). Collection method: clinical testing. Allele origin: germline.

Center for Genomic Medicine, Rigshospitalet, Copenhagen University Hospital
Classification: Likely benign. Last evaluated: 2025-03-04. Review status: criteria provided, single submitter. Criteria: ACMG Guidelines, 2015. Collection method: clinical testing. Allele origin: germline.

Institute for Biomarker Research, Medical Diagnostic Laboratories, L.L.C.
Classification: Likely benign for Hereditary cancer-predisposing syndrome. Last evaluated: 2025-01-10. Review status: criteria provided, single submitter. Criteria: ACMG Guidelines, 2015. Collection method: clinical testing. Allele origin: germline.
Comment: The synonymous variant NM_000051.4(ATM):c.2679A>G (p.Gln893=) has been reported to ClinVar as Benign/Likely benign with a status of (2 stars) criteria provided, multiple submitters, no conflicts (Variation ID 184455 as of 2025-01-02). The p.Gln893= variant is not predicted to disrupt an existing splice site. The p.Gln893= variant is predicted to introduce a novel splice site by 1 of 4 splice site algorithms. The p.Gln893= variant results in a substitution of a base that is not predicted conserved by GERP++ and PhyloP. For these reasons, this variant has been classified as Likely Benign.

Molecular Diagnostics Laboratory, Catalan Institute of Oncology
Classification: Likely benign for Hereditary cancer-predisposing syndrome. Last evaluated: 2024-10-23. Review status: criteria provided, single submitter. Criteria: ClinGen ACMG Specifications ATM V1.1.0. Collection method: clinical testing. Allele origin: germline.
Comment: BP4, BP7 c.2679A>G, located in exon 18 of the ATM gene, is predicted to result in no amino acid change, p.(Gln893=) (BP7).This variant is found in 3/268196 alleles at a frequency of 0.0011% in the gnomAD v2.1.1 database, non-cancer dataset.The SpliceAI algorithm predicts no significant impact on splicing (BP4). To our knowledge, neither relevant clinical data nor well-stablished functional studies have been reported for this variant. This variant has been reported in the ClinVar database (1x benign, 8x likely benign) but it is not reported in the LOVD database. Based on currently available information, the variant c.2679A>G should be considered a likely benign variant.

Department of Pathology and Laboratory Medicine, Sinai Health System
Classification: Likely benign for Familial colorectal cancer type X. Last evaluated: 2024-06-04. Review status: criteria provided, single submitter. Criteria: ACMG Guidelines, 2015. Collection method: clinical testing. Allele origin: germline. Affected: yes.

Myriad Genetics, Inc.
Classification: Benign for Familial cancer of breast. Last evaluated: 2024-05-10. Review status: criteria provided, single submitter. Criteria: Myriad Autosomal Dominant, Autosomal Recessive and X-Linked Classification Criteria (2023). Collection method: clinical testing. Allele origin: unknown.
Comment: This variant is considered benign. This variant is a silent/synonymous amino acid change and it is not expected to impact splicing.

Women's Health and Genetics/Laboratory Corporation of America, LabCorp
Classification: Likely benign. Last evaluated: 2024-03-29. Review status: criteria provided, single submitter. Criteria: LabCorp Variant Classification Summary - May 2015. Collection method: clinical testing. Allele origin: germline.

CeGaT Center for Human Genetics Tuebingen
Classification: Likely benign. Last evaluated: 2020-06-01. Review status: criteria provided, single submitter. Criteria: CeGaT Center For Human Genetics Tuebingen Variant Classification Criteria Version 2. Collection method: clinical testing. Allele origin: germline. Affected: yes. Observed: 1 variant allele.

GeneDx
Classification: Likely benign. Last evaluated: 2017-06-08. Review status: criteria provided, single submitter. Criteria: GeneDx Variant Classification (06012015). Collection method: clinical testing. Allele origin: germline. Affected: yes.
Comment: This variant is considered likely benign or benign based on one or more of the following criteria: it is a conservative change, it occurs at a poorly conserved position in the protein, it is predicted to be benign by multiple in silico algorithms, and/or has population frequency not consistent with disease.

Color Diagnostics, LLC DBA Color Health
Classification: Likely benign for Hereditary cancer-predisposing syndrome. Last evaluated: 2016-03-04. Review status: criteria provided, single submitter. Criteria: ACMG Guidelines, 2015. Collection method: clinical testing. Allele origin: germline.

Ambry Genetics
Classification: Likely benign for Hereditary cancer-predisposing syndrome. Last evaluated: 2016-02-10. Review status: criteria provided, single submitter. Criteria: Ambry Variant Classification Scheme 2023. Collection method: clinical testing. Allele origin: germline.

PreventionGenetics, part of Exact Sciences
Classification: Likely benign for ATM-related condition. Last evaluated: 2022-02-03. Review status: no assertion criteria provided. Collection method: clinical testing. Allele origin: germline. Not counted in ClinVar's aggregate classification.
Comment: This variant is classified as likely benign based on ACMG/AMP sequence variant interpretation guidelines (Richards et al. 2015 PMID: 25741868, with internal and published modifications).

NM_000051.4(ATM):c.2679A>G (p.Gln893=)

Gene: ATM (ATM serine/threonine kinase; plus strand). Cytogenetic location: 11q22.3.
Variant type: single nucleotide variant.
Coding change: c.2679A>G on transcript NM_000051.4 (MANE Select); coding-DNA position 2679, A replaced by G.
Protein change: p.Gln893=; no amino-acid change (glutamine 893 retained).
Molecular consequence: synonymous variant.
Genome position (GRCh38, 1-based): chr11:108,268,450, A>G. VCF-style: chr11-108268450-A-G. GRCh37 (hg19) VCF-style: chr11-108139177-A-G.
Other names: c.2679A>G, p.Gln893= (NM_001351834.2).
Identifiers: ClinVar variation 184455 (VCV000184455.61), dbSNP rs139316519, ClinGen allele CA189011.